The following is an entry in ClinVar:

ClinVar aggregate classification (germline): Uncertain significance (1 of 4 stars; one submission).

gnomAD v4.1: 2 of 1,614,126 alleles (0.00012%); highest among the groups gnomAD compares: Non-Finnish European, 0.00017%; no homozygotes.

Submission:

Ambry Genetics
Classification: Uncertain significance. Last evaluated: 2022-06-06. Review status: criteria provided, single submitter. Criteria: Ambry Variant Classification Scheme 2023. Collection method: clinical testing. Allele origin: germline.
Comment: The p.V818I variant (also known as c.2452G>A), located in coding exon 17 of the CTNNA3 gene, results from a G to A substitution at nucleotide position 2452. The valine at codon 818 is replaced by isoleucine, an amino acid with highly similar properties. This amino acid position is conserved. In addition, this alteration is predicted to be tolerated by in silico analysis. Since supporting evidence is limited at this time, the clinical significance of this alteration remains unclear.

NM_013266.4(CTNNA3):c.2452G>A (p.Val818Ile)

Gene: CTNNA3 (catenin alpha 3; minus strand). Cytogenetic location: 10q21.3.
Variant type: single nucleotide variant.
Coding change: c.2452G>A on transcript NM_013266.4 (MANE Select); coding-DNA position 2452, G replaced by A.
Protein change: p.Val818Ile; replaces valine 818 with isoleucine.
Molecular consequence: missense variant.
Genome position (GRCh38, 1-based): chr10:65,920,566, C>T on the plus strand (G>A on the coding strand, the complement: CTNNA3 is on the minus strand). VCF-style: chr10-65920566-C-T. GRCh37 (hg19) VCF-style: chr10-67680324-C-T.
Other names: c.2452G>A, p.Val818Ile (NM_001127384.3); short protein forms V818I.
Identifiers: ClinVar variation 1791511 (VCV001791511.2), dbSNP rs747887589, ClinGen allele CA377089077.